The following is an entry in ClinVar:

ClinVar aggregate classification (germline): Uncertain significance (1 of 4 stars; one submission).

Allele frequency attached by ClinVar (database versions not stated): ExAC 0.00003; TOPMed 0.00005; gnomAD exomes 0.00001; ESP Exome Variant Server 0.00015; gnomAD 0.00003.
gnomAD v4.1: 25 of 1,613,996 alleles (0.0015%); highest among the groups gnomAD compares: African/African-American, 0.013%; no homozygotes.

Submission:

Labcorp Genetics (formerly Invitae), Labcorp
Classification: Uncertain significance. Last evaluated: 2023-06-29. Review status: criteria provided, single submitter. Criteria: Invitae Variant Classification Sherloc (09022015). Collection method: clinical testing. Allele origin: germline.
Comment: In summary, the available evidence is currently insufficient to determine the role of this variant in disease. Therefore, it has been classified as a Variant of Uncertain Significance. This sequence change replaces arginine, which is basic and polar, with tryptophan, which is neutral and slightly polar, at codon 1937 of the FAT2 protein (p.Arg1937Trp). This variant is present in population databases (rs148098159, gnomAD 0.03%). This variant has not been reported in the literature in individuals affected with FAT2-related conditions. ClinVar contains an entry for this variant (Variation ID: 2072991). An algorithm developed to predict the effect of missense changes on protein structure and function (PolyPhen-2) suggests that this variant is likely to be disruptive.

NM_001447.3(FAT2):c.5809C>T (p.Arg1937Trp)

Genes: FAT2 (FAT atypical cadherin 2; minus strand), SLC36A1 (solute carrier family 36 member 1; plus strand). Cytogenetic location: 5q33.1.
Variant type: single nucleotide variant.
Coding change: c.5809C>T on transcript NM_001447.3 (MANE Select); coding-DNA position 5809, C replaced by T.
Protein change: p.Arg1937Trp; replaces arginine 1937 with tryptophan.
Molecular consequence: missense variant.
Genome position (GRCh38, 1-based): chr5:151,545,318, G>A on the plus strand (C>T on the coding strand, the complement: FAT2 is on the minus strand). VCF-style: chr5-151545318-G-A. GRCh37 (hg19) VCF-style: chr5-150924879-G-A.
Other names: short protein forms R1937W.
Identifiers: ClinVar variation 2072991 (VCV002072991.4), dbSNP rs148098159, ClinGen allele CA3521231.